The following is an entry in ClinVar:

ClinVar aggregate classification (germline): Likely benign (1 of 4 stars; one submission).

Allele frequency attached by ClinVar (database versions not stated): 1000 Genomes Project 30x 0.00750; 1000 Genomes Project 0.00819; gnomAD 0.01781; TOPMed 0.01878.
gnomAD v4.1: 2,892 of 152,120 alleles (1.9%); highest among the groups gnomAD compares: Non-Finnish European, 2.8%; 41 homozygotes.

Submission:

GeneDx
Classification: Likely benign. Last evaluated: 2018-06-19. Review status: criteria provided, single submitter. Criteria: GeneDx Variant Classification (06012015). Collection method: clinical testing. Allele origin: germline. Affected: yes.
Comment: This variant is considered likely benign or benign based on one or more of the following criteria: it is a conservative change, it occurs at a poorly conserved position in the protein, it is predicted to be benign by multiple in silico algorithms, and/or has population frequency not consistent with disease.

NM_001035.3(RYR2):c.2613+188A>G

Gene: RYR2 (ryanodine receptor 2; plus strand). Cytogenetic location: 1q43.
Variant type: single nucleotide variant.
Coding change: c.2613+188A>G on transcript NM_001035.3 (MANE Select); 188 bases into the intron after coding-DNA position 2613, A replaced by G.
Molecular consequence: intron variant.
Genome position (GRCh38, 1-based): chr1:237,503,693, A>G. VCF-style: chr1-237503693-A-G. GRCh37 (hg19) VCF-style: chr1-237666993-A-G.
Identifiers: ClinVar variation 675292 (VCV000675292.1), dbSNP rs139726000, ClinGen allele CA39780792.